The following is an entry in ClinVar:

NM_004958.4(MTOR):c.5480A>G (p.Asn1827Ser)

Gene: MTOR (mechanistic target of rapamycin kinase; minus strand). Cytogenetic location: 1p36.22.
Variant type: single nucleotide variant.
Coding change: c.5480A>G on transcript NM_004958.4 (MANE Select); coding-DNA position 5480, A replaced by G.
Protein change: p.Asn1827Ser; replaces asparagine 1827 with serine.
Molecular consequence: missense variant.
Genome position (GRCh38, 1-based): chr1:11,130,662, T>C on the plus strand (A>G on the coding strand, the complement: MTOR is on the minus strand). VCF-style: chr1-11130662-T-C. GRCh37 (hg19) VCF-style: chr1-11190719-T-C.
Other names: c.5480A>G, p.Asn1827Ser (NM_001386500.1); c.4232A>G, p.Asn1411Ser (NM_001386501.1); short protein forms N1411S, N1827S.
Identifiers: ClinVar variation 2891949 (VCV002891949.3), dbSNP rs2100431783, ClinGen allele CA338398515.
Genomic context (GRCh38, chr1:11,130,662, plus strand): 5'-CTGCCCTCGGTGCTGGCAGTGGTGGTGGCAGTGGCGGCCGTGGTGGCGGCAGTGGTGGCG[T>C]TGGTGATGTTGGCCCCGCTGGCATGACGCAGTTTCTTCTTCTCATCGCGGGCTTGGTTCT-3'
Protein context (NP_004949.1, residues 1817-1837): LRHASGANIT[Asn1827Ser]ATTAATTAAT

ClinVar aggregate classification (germline): Uncertain significance (1 of 4 stars; one submission).

Submission:

Labcorp Genetics (formerly Invitae), Labcorp
Classification: Uncertain significance. Last evaluated: 2024-02-28. Review status: criteria provided, single submitter. Criteria: Invitae Variant Classification Sherloc (09022015). Collection method: clinical testing. Allele origin: germline.
Comment: This sequence change replaces asparagine, which is neutral and polar, with serine, which is neutral and polar, at codon 1827 of the MTOR protein (p.Asn1827Ser). This variant is not present in population databases (gnomAD no frequency). This variant has not been reported in the literature in individuals affected with MTOR-related conditions. Advanced modeling of protein sequence and biophysical properties (such as structural, functional, and spatial information, amino acid conservation, physicochemical variation, residue mobility, and thermodynamic stability) performed at Invitae indicates that this missense variant is not expected to disrupt MTOR protein function with a negative predictive value of 95%. In summary, the available evidence is currently insufficient to determine the role of this variant in disease. Therefore, it has been classified as a Variant of Uncertain Significance.